The following is an entry in ClinVar:

NM_000218.3(KCNQ1):c.1464C>A (p.Asp488Glu)

Genes: KCNQ1 (potassium voltage-gated channel subfamily Q member 1; plus strand), KCNQ1OT1 (KCNQ1 opposite strand/antisense transcript 1; minus strand). Cytogenetic location: 11p15.5.
Variant type: single nucleotide variant.
Coding change: c.1464C>A on transcript NM_000218.3 (MANE Select); coding-DNA position 1464, C replaced by A.
Protein change: p.Asp488Glu; replaces aspartic acid 488 with glutamic acid.
Molecular consequence: missense variant.
Genome position (GRCh38, 1-based): chr11:2,662,031, C>A. VCF-style: chr11-2662031-C-A. GRCh37 (hg19) VCF-style: chr11-2683261-C-A.
Other names: p.D488E:GAC>GAA; c.1368C>A, p.Asp456Glu (NM_001406836.1); c.1194C>A, p.Asp398Glu (NM_001406837.1); c.924C>A, p.Asp308Glu (NM_001406838.1); c.1083C>A, p.Asp361Glu (NM_181798.2); short protein forms D361E, D488E, D398E, D456E, D308E.
Identifiers: ClinVar variation 200849 (VCV000200849.16), dbSNP rs778041701, ClinGen allele CA005784.
Genomic context (GRCh38, chr11:2,662,031, plus strand): 5'-CCCAACACTGCTGGAAGTGAGCATGCCCCATTTCATGAGAACCAACAGCTTCGCCGAGGA[C>A]CTGGACCTGGAAGGGGAGACTCTGCTGACACCCATCACCCACATCTCACAGTGAGTGCCT-3'
Protein context (NP_000209.2, residues 478-498): HFMRTNSFAE[Asp488Glu]LDLEGETLLT

ClinVar aggregate classification (germline): Uncertain significance. Review status: criteria provided, multiple submitters, no conflicts (2 of 4 stars). 5 submissions from 5 submitters: Uncertain significance (5). Last evaluated 2025-06-24.

Conditions:
Cardiovascular phenotype. Identifiers: MedGen CN230736.
Cardiac arrhythmia. Also called: Cardiac rhythm disease; Arrhythmia. Identifiers: MedGen C0003811, MONDO:0007263, HP:0011675.
Long QT syndrome (LQTS). Identifiers: MedGen C0023976, MeSH D008133, MONDO:0002442. Disease mechanism: loss of function. Inheritance: Various modes of inheritance.

Allele frequency attached by ClinVar (database versions not stated): gnomAD exomes 0.00001; gnomAD 0.00001; TOPMed below 0.00001; ExAC 0.00001.
gnomAD v4.1: 7 of 1,614,052 alleles (0.00043%); highest among the groups gnomAD compares: Non-Finnish European, 0.00059%; no homozygotes.

Submissions (5):

Labcorp Genetics (formerly Invitae), Labcorp
Classification: Uncertain significance for Long QT syndrome. Last evaluated: 2025-06-24. Review status: criteria provided, single submitter. Criteria: Invitae Variant Classification Sherloc (09022015). Collection method: clinical testing. Allele origin: germline.
Comment: This sequence change replaces aspartic acid, which is acidic and polar, with glutamic acid, which is acidic and polar, at codon 488 of the KCNQ1 protein (p.Asp488Glu). This variant is present in population databases (rs778041701, gnomAD 0.002%). This missense change has been observed in individual(s) with clinical features of KCNQ1-related conditions (PMID: 34930020). ClinVar contains an entry for this variant (Variation ID: 200849). Invitae Evidence Modeling of protein sequence and biophysical properties (such as structural, functional, and spatial information, amino acid conservation, physicochemical variation, residue mobility, and thermodynamic stability) indicates that this missense variant is not expected to disrupt KCNQ1 protein function with a negative predictive value of 95%. In summary, the available evidence is currently insufficient to determine the role of this variant in disease. Therefore, it has been classified as a Variant of Uncertain Significance.

All of Us Research Program, National Institutes of Health
Classification: Uncertain significance for Long QT syndrome. Last evaluated: 2023-12-01. Review status: criteria provided, single submitter. Criteria: ACMG Guidelines, 2015. Collection method: clinical testing. Allele origin: germline. Inheritance: Autosomal dominant inheritance. Observed: 2 variant alleles, 2 heterozygotes.
Comment: This missense variant replaces aspartic acid with glutamic acid at codon 488 of the KCNQ1 protein. Computational prediction tool is inconclusive regarding the impact of this variant on protein structure and function (internally defined REVEL score threshold 0.5 < inconclusive < 0.7, PMID: 27666373). Splice site prediction tools suggest that this variant may not impact RNA splicing. To our knowledge, functional studies have not been performed for this variant. This variant has not been reported in individuals affected with cardiovascular disorders in the literature. This variant has been identified in 2/251404 chromosomes in the general population by the Genome Aggregation Database (gnomAD). The available evidence is insufficient to determine the role of this variant in disease conclusively. Therefore, this variant is classified as a Variant of Uncertain Significance.

This study involves interpretation of variants in research participants for the purpose of population health screening. Participant phenotype was not available at the time of variant classification. Additional details can be found in publication PMID: 35346344, PMCID: PMC8962531

Color Diagnostics, LLC DBA Color Health
Classification: Uncertain significance for Cardiac arrhythmia. Last evaluated: 2019-10-09. Review status: criteria provided, single submitter. Criteria: ACMG Guidelines, 2015. Collection method: clinical testing. Allele origin: germline.
Comment: This missense variant replaces aspartic acid with glutamic acid at codon 488 of the KCNQ1 protein. Computational prediction tool is inconclusive regarding the impact of this variant on protein structure and function (internally defined REVEL score threshold 0.5 < inconclusive < 0.7, PMID: 27666373). Splice site prediction tools suggest that this variant may not impact RNA splicing. To our knowledge, functional studies have not been performed for this variant. This variant has not been reported in individuals affected with cardiovascular disorders in the literature. This variant has been identified in 2/251404 chromosomes in the general population by the Genome Aggregation Database (gnomAD). The available evidence is insufficient to determine the role of this variant in disease conclusively. Therefore, this variant is classified as a Variant of Uncertain Significance.

Ambry Genetics
Classification: Uncertain significance for Cardiovascular phenotype. Last evaluated: 2018-12-20. Review status: criteria provided, single submitter. Criteria: Ambry Variant Classification Scheme 2023. Collection method: clinical testing. Allele origin: germline.
Comment: The p.D488E variant (also known as c.1464C>A), located in coding exon 11 of the KCNQ1 gene, results from a C to A substitution at nucleotide position 1464. The aspartic acid at codon 488 is replaced by glutamic acid, an amino acid with highly similar properties, and is located in the C-terminal, cytoplasmic region of the protein. This amino acid position is well conserved in available vertebrate species; however, glutamic acid is the reference amino acid in other vertebrate species. In addition, this alteration is predicted to be deleterious by in silico analysis. Since supporting evidence is limited at this time, the clinical significance of this alteration remains unclear.

GeneDx
Classification: Uncertain significance. Last evaluated: 2014-04-23. Review status: criteria provided, single submitter. Criteria: GeneDx Variant Classification (06012015). Collection method: clinical testing. Allele origin: germline. Affected: yes.
Comment: p.Asp488Glu (GAC>GAA): c.1464 C>A in exon 11 of the KCNQ1 gene (NM_000218.2). A variant of unknown significance has been identified in the KCNQ1 gene. The D488E variant has not been published as a mutation, nor has it been reported as a benign polymorphism to our knowledge. The D488E variant was not observed in approximately 6,500 individuals of European and African American ancestry in the NHLBI Exome Sequencing Project, indicating it is not a common benign variant in these populations. The D488E variant is a conservative amino acid substitution, which is not likely to impact secondary protein structure as these residues share similar properties. This substitution occurs at a position that is conserved across species. In silico analysis is inconsistent in its predictions as to whether or not the variant is damaging to the protein structure/function. Missense mutations in nearby residues have not been reported in association with arrhythmia, indicating this region of the protein may tolerate change. Therefore, based on the currently available information, it is unclear whether this variant is a pathogenic mutation or a rare benign variant. The variant is found in ARRHYTHMIA panel(s).

Literature cited by the submitters: PubMed 34930020 (cited by Labcorp Genetics (formerly Invitae), Labcorp).